The following is an entry in ClinVar:

NM_016474.5(CCDC174):c.476G>A (p.Ser159Asn)

Gene: CCDC174 (coiled-coil domain containing 174; plus strand). Cytogenetic location: 3p25.1.
Variant type: single nucleotide variant.
Coding change: c.476G>A on transcript NM_016474.5 (MANE Select); coding-DNA position 476, G replaced by A.
Protein change: p.Ser159Asn; replaces serine 159 with asparagine.
Molecular consequence: missense variant. On other transcripts: non-coding transcript variant (1).
Genome position (GRCh38, 1-based): chr3:14,661,698, G>A. VCF-style: chr3-14661698-G-A. GRCh37 (hg19) VCF-style: chr3-14703205-G-A.
Other names: short protein forms S159N.
Identifiers: ClinVar variation 734447 (VCV000734447.6), dbSNP rs56350241, ClinGen allele CA2270057.
Genomic context (GRCh38, chr3:14,661,698, plus strand): 5'-AAAGGGACGACGATGAGGAAAACCTTCCTGAGGGAGAGATCCCTCCTCCCCAAGACCCCA[G>A]TGAAGAATGGTTGGTAACATCATGGATTAGCTCAGAGGAACATCCTCAGACTTGCGCTGA-3'
Protein context (NP_057558.3, residues 149-169): EGEIPPPQDP[Ser159Asn]EEWVDYVDSL

ClinVar aggregate classification (germline): Likely benign. Review status: criteria provided, single submitter (1 of 4 stars). 2 submissions from 2 submitters: Likely benign (1). 1 of the submissions does not count toward it. Last evaluated 2019-12-31.

Conditions:
CCDC174-related disorder. Also called: CCDC174-related condition.

Allele frequency attached by ClinVar (database versions not stated): 1000 Genomes Project 30x 0.00078; 1000 Genomes Project 0.00080; TOPMed 0.00133; gnomAD 0.00139 and 0.00141; ESP Exome Variant Server 0.00161; ExAC 0.00174.
gnomAD v4.1: 3,316 of 1,611,364 alleles (0.21%); highest among the groups gnomAD compares: Non-Finnish European, 0.25%; 6 homozygotes.

Submissions (2):

Labcorp Genetics (formerly Invitae), Labcorp
Classification: Likely benign. Last evaluated: 2019-12-31. Review status: criteria provided, single submitter. Criteria: Invitae Variant Classification Sherloc (09022015). Collection method: clinical testing. Allele origin: germline.

PreventionGenetics, part of Exact Sciences
Classification: Likely benign for CCDC174-related condition. Last evaluated: 2020-07-23. Review status: no assertion criteria provided. Collection method: clinical testing. Allele origin: germline. Not counted in ClinVar's aggregate classification.
Comment: This variant is classified as likely benign based on ACMG/AMP sequence variant interpretation guidelines (Richards et al. 2015 PMID: 25741868, with internal and published modifications).